The following is an entry in ClinVar:

NM_001042492.3(NF1):c.6056C>T (p.Ala2019Val)

Gene: NF1 (neurofibromin 1; plus strand). Cytogenetic location: 17q11.2.
Variant type: single nucleotide variant.
Coding change: c.6056C>T on transcript NM_001042492.3 (MANE Select); coding-DNA position 6056, C replaced by T.
Protein change: p.Ala2019Val; replaces alanine 2019 with valine.
Molecular consequence: missense variant.
Genome position (GRCh38, 1-based): chr17:31,336,382, C>T. VCF-style: chr17-31336382-C-T. GRCh37 (hg19) VCF-style: chr17-29663400-C-T.
Other names: c.5993C>T, p.Ala1998Val (NM_000267.4); short protein forms A1998V, A2019V.
Identifiers: ClinVar variation 578431 (VCV000578431.12), dbSNP rs1567616673, ClinGen allele CA399011139.
Genomic context (GRCh38, chr17:31,336,382, plus strand): 5'-TCTTCAACTAGATTACAGATCTGCTTGATGTTGTACTAGACAGTTTCATCAAAACCAGTG[C>T]AACAGGTGGCTTGGGATCAATAAAAGCTGAGGTGATGGCAGATACTGCTGTAGCTTTGGC-3'
Protein context (NP_001035957.1, residues 2009-2029): VVLDSFIKTS[Ala2019Val]TGGLGSIKAE

ClinVar aggregate classification (germline): Uncertain significance. Review status: criteria provided, multiple submitters, no conflicts (2 of 4 stars). 3 submissions from 3 submitters: Uncertain significance (3). Last evaluated 2025-11-03.

Conditions:
Cardiovascular phenotype. Identifiers: MedGen CN230736.
Hereditary cancer-predisposing syndrome. Also called: Hereditary neoplastic syndrome; Tumor predisposition; Hereditary Cancer Syndrome; Neoplastic Syndromes, Hereditary. Identifiers: Orphanet 140162, MedGen C0027672, MeSH D009386, MONDO:0015356.
Neurofibromatosis, type 1 (NF1). Also called: Peripheral type neurofibromatosis; Neurofibromatosis, type I; VON RECKLINGHAUSEN DISEASE; NEUROFIBROMATOSIS, TYPE I, SOMATIC. Identifiers: Orphanet 636, MedGen C0027831, MONDO:0018975, OMIM 162200. Disease mechanism: loss of function.

Allele frequency attached by ClinVar (database versions not stated): gnomAD exomes below 0.00001.
gnomAD v4.1: 1 of 1,613,944 alleles (0.000062%); highest among the groups gnomAD compares: Non-Finnish European, 0.000085%; no homozygotes.

Submissions (3):

Ambry Genetics
Classification: Uncertain significance for Cardiovascular phenotype; Hereditary cancer-predisposing syndrome. Last evaluated: 2025-11-03. Review status: criteria provided, single submitter. Criteria: Ambry Variant Classification Scheme 2023. Collection method: clinical testing. Allele origin: germline.
Comment: The p.A1998V variant (also known as c.5993C>T), located in coding exon 40 of the NF1 gene, results from a C to T substitution at nucleotide position 5993. The alanine at codon 1998 is replaced by valine, an amino acid with similar properties. This amino acid position is highly conserved in available vertebrate species. In addition, the in silico prediction for this alteration is inconclusive. Since supporting evidence is limited at this time, the clinical significance of this alteration remains unclear.

Labcorp Genetics (formerly Invitae), Labcorp
Classification: Uncertain significance for Neurofibromatosis, type 1. Last evaluated: 2025-05-22. Review status: criteria provided, single submitter. Criteria: Invitae Variant Classification Sherloc (09022015). Collection method: clinical testing. Allele origin: germline.
Comment: This sequence change replaces alanine, which is neutral and non-polar, with valine, which is neutral and non-polar, at codon 1998 of the NF1 protein (p.Ala1998Val). This variant is not present in population databases (gnomAD no frequency). This variant has not been reported in the literature in individuals affected with NF1-related conditions. ClinVar contains an entry for this variant (Variation ID: 578431). Invitae Evidence Modeling of protein sequence and biophysical properties (such as structural, functional, and spatial information, amino acid conservation, physicochemical variation, residue mobility, and thermodynamic stability) indicates that this missense variant is not expected to disrupt NF1 protein function with a negative predictive value of 95%. In summary, the available evidence is currently insufficient to determine the role of this variant in disease. Therefore, it has been classified as a Variant of Uncertain Significance.

Genome-Nilou Lab
Classification: Uncertain significance for Neurofibromatosis, type 1. Last evaluated: 2022-03-15. Review status: criteria provided, single submitter. Criteria: ACMG Guidelines, 2015. Collection method: clinical testing. Allele origin: germline. Affected: no.